The following is an entry in ClinVar:

NM_173076.3(ABCA12):c.130C>T (p.Arg44Trp)

Gene: ABCA12 (ATP binding cassette subfamily A member 12; minus strand). Cytogenetic location: 2q35.
Variant type: single nucleotide variant.
Coding change: c.130C>T on transcript NM_173076.3 (MANE Select); coding-DNA position 130, C replaced by T.
Protein change: p.Arg44Trp; replaces arginine 44 with tryptophan.
Molecular consequence: missense variant. On other transcripts: non-coding transcript variant (1).
Genome position (GRCh38, 1-based): chr2:215,111,630, G>A on the plus strand (C>T on the coding strand, the complement: ABCA12 is on the minus strand). VCF-style: chr2-215111630-G-A. GRCh37 (hg19) VCF-style: chr2-215976353-G-A.
Other names: short protein forms R44W.
Identifiers: ClinVar variation 388614 (VCV000388614.6), dbSNP rs201542666, ClinGen allele CA2092660.
Genomic context (GRCh38, chr2:215,111,630, plus strand): 5'-GGAAATAAACAAATGTCATTTACTTACAAGTTGGTTTTGCAGTTGGAGGAAATTTGGTCC[G>A]AGTAATAGCCAAAATTATGAAAATAATGACTGGCCATAAGATCAAGACAAGTGTCCAAAG-3'
Protein context (NP_775099.2, residues 34-54): VIIFIILAIT[Arg44Trp]TKFPPTAKPT

ClinVar aggregate classification (germline): Likely pathogenic. Review status: criteria provided, multiple submitters, no conflicts (2 of 4 stars). 2 submissions from 2 submitters: Likely pathogenic (2). Last evaluated 2023-08-25.

Conditions:
Autosomal recessive congenital ichthyosis 4B (ARCI4B). Also called: Harlequin Fetus; ICHTHYOSIS CONGENITA, HARLEQUIN FETUS TYPE; Ichthyosis, congenital, autosomal recessive 4B (harlequin); HARLEQUIN ICHTHYOSIS. Identifiers: Orphanet 457, MedGen C0598226, MONDO:0009443, OMIM 242500.
Autosomal recessive congenital ichthyosis 4A (LI2). Also called: ICHTHYOSIS CONGENITA IIB. Identifiers: Orphanet 313, MedGen C1832550, MONDO:0011026, OMIM 601277.

Allele frequency attached by ClinVar (database versions not stated): TOPMed 0.00003.
gnomAD v4.1: 66 of 1,613,218 alleles (0.0041%); highest among the groups gnomAD compares: Admixed American, 0.0067%; no homozygotes.

Submissions (2):

GeneDx
Classification: Likely pathogenic. Last evaluated: 2023-08-25. Review status: criteria provided, single submitter. Criteria: GeneDx Variant Classification Process June 2021. Collection method: clinical testing. Allele origin: germline. Affected: yes.
Comment: Not observed at significant frequency in large population cohorts (gnomAD); In silico analysis supports that this missense variant has a deleterious effect on protein structure/function; Has not been previously published as pathogenic or benign to our knowledge; This variant is associated with the following publications: (PMID: 31589614)

Fulgent Genetics
Classification: Likely pathogenic for Autosomal recessive congenital ichthyosis 4B; Autosomal recessive congenital ichthyosis 4A. Last evaluated: 2022-03-09. Review status: criteria provided, single submitter. Criteria: ACMG Guidelines, 2015. Collection method: clinical testing. Allele origin: unknown.